The following is an entry in ClinVar:

ClinVar aggregate classification (germline): Pathogenic/Likely pathogenic. Review status: criteria provided, multiple submitters, no conflicts (2 of 4 stars). 4 submissions from 4 submitters: Pathogenic (2); Likely pathogenic (1). 1 of the submissions does not count toward it. Last evaluated 2023-02-28.

Conditions:
Intellectual developmental disorder 62. Also called: INTELLECTUAL DEVELOPMENTAL DISORDER, AUTOSOMAL DOMINANT 62; MENTAL RETARDATION, AUTOSOMAL DOMINANT 62. Identifiers: MedGen C5394083, MONDO:0032919, OMIM 618793.
Cerebral visual impairment and intellectual disability.

Submissions (4):

Tumer Group, Copenhagen University Hospital, Rigshospitalet
Classification: Pathogenic for Intellectual developmental disorder 62. Last evaluated: 2023-02-28. Review status: criteria provided, single submitter. Criteria: ACMG Guidelines, 2015. Collection method: research. Allele origin: de novo. Affected: yes.

Institute of Human Genetics, University of Leipzig Medical Center
Classification: Pathogenic for Intellectual developmental disorder 62. Last evaluated: 2021-12-21. Review status: criteria provided, single submitter. Criteria: ACMG Guidelines, 2015. Collection method: research. Allele origin: de novo. Affected: yes.

Lupski Lab, Baylor-Hopkins CMG, Baylor College of Medicine
Classification: Likely pathogenic for Cerebral visual impairment and intellectual disability. Last evaluated: 2015-09-09. Review status: criteria provided, single submitter. Criteria: Bosch et al. (EJHG 2015). Collection method: research. Allele origin: de novo. Affected: yes. Observed: 1 variant allele, 1 heterozygote.
Comment: This study shows that diverse genetic causes underlie CVI.

OMIM
Classification: Pathogenic for INTELLECTUAL DEVELOPMENTAL DISORDER, AUTOSOMAL DOMINANT 62. Last evaluated: 2020-12-11. Review status: no assertion criteria provided. Collection method: literature only. Allele origin: germline. Not counted in ClinVar's aggregate classification.

Literature cited by the submitters: PubMed 33597769 (cited by Institute of Human Genetics, University of Leipzig Medical Center); PubMed 27479843 (cited by OMIM).

NM_001321075.3(DLG4):c.148dup (p.Tyr50fs)

Gene: DLG4 (discs large MAGUK scaffold protein 4; minus strand). Cytogenetic location: 17p13.1.
Variant type: Duplication.
Coding change: c.148dup on transcript NM_001321075.3 (MANE Select); coding-DNA position 148, one base duplicated (T; older notation c.148dupT).
Protein change: p.Tyr50fs; shifts the reading frame from tyrosine 50.
Molecular consequence: frameshift variant. On other transcripts: 5 prime UTR variant (2), non-coding transcript variant (1).
Genome position (GRCh38, 1-based): chr17:7,204,201, A duplicated on the plus strand (T on the coding strand, the reverse complement: DLG4 is on the minus strand). VCF-style (leftmost placement, unchanged base first): chr17-7204200-T-TA. GRCh37 (hg19) VCF-style: chr17-7107519-T-TA.
Other names: c.148dup, p.Tyr50fs (NM_001128827.4); c.277dup, p.Tyr93fs (NM_001321074.1); c.-33dup (NM_001321076.3); c.-24dup (NM_001321077.3); c.277dup, p.Tyr93Leufs (NM_001365.5); c.76dup, p.Tyr26fs (NM_001369566.3); short protein forms Y26fs, Y50fs, Y93fs.
Identifiers: ClinVar variation 224807 (VCV000224807.6), dbSNP rs869312859, ClinGen allele CA357917.